The following is an entry in ClinVar:

NM_001367624.2(ZNF469):c.3352G>A (p.Gly1118Ser)

Gene: ZNF469 (zinc finger protein 469; plus strand). Cytogenetic location: 16q24.2.
Variant type: single nucleotide variant.
Coding change: c.3352G>A on transcript NM_001367624.2 (MANE Select); coding-DNA position 3352, G replaced by A.
Protein change: p.Gly1118Ser; replaces glycine 1118 with serine.
Molecular consequence: missense variant.
Genome position (GRCh38, 1-based): chr16:88,430,822, G>A. VCF-style: chr16-88430822-G-A. GRCh37 (hg19) VCF-style: chr16-88497230-G-A.
Other names: short protein forms G1118S.
Identifiers: ClinVar variation 2874110 (VCV002874110.1), dbSNP rs1450994856, ClinGen allele CA397080317.
Genomic context (GRCh38, chr16:88,430,822, plus strand): 5'-TCCGAGGAGGACGAGCAGCCTCCGCCGCGGGGCCCCGGCTTCAGAGGCCGGCGGGGCCGA[G>A]GCGAGAAGAGGAAGGAAGTGGAGCTGACCCAGGGTCCCAGAGAGGATGAGCCACAGAAAC-3'
Protein context (NP_001354553.1, residues 1108-1128): GPGFRGRRGR[Gly1118Ser]EKRKEVELTQ

ClinVar aggregate classification (germline): Uncertain significance (1 of 4 stars; one submission).

Allele frequency attached by ClinVar (database versions not stated): gnomAD exomes below 0.00001; TOPMed below 0.00001.
gnomAD v4.1: 2 of 1,533,658 alleles (0.00013%); highest among the groups gnomAD compares: Non-Finnish European, 0.00017%; no homozygotes.

Submission:

Labcorp Genetics (formerly Invitae), Labcorp
Classification: Uncertain significance. Last evaluated: 2023-07-25. Review status: criteria provided, single submitter. Criteria: Invitae Variant Classification Sherloc (09022015). Collection method: clinical testing. Allele origin: germline.
Comment: This sequence change replaces glycine, which is neutral and non-polar, with serine, which is neutral and polar, at codon 1090 of the ZNF469 protein (p.Gly1090Ser). This variant is not present in population databases (gnomAD no frequency). This variant has not been reported in the literature in individuals affected with ZNF469-related conditions. Algorithms developed to predict the effect of missense changes on protein structure and function output the following: SIFT: "Not Available"; PolyPhen-2: "Benign"; Align-GVGD: "Not Available". The serine amino acid residue is found in multiple mammalian species, which suggests that this missense change does not adversely affect protein function. In summary, the available evidence is currently insufficient to determine the role of this variant in disease. Therefore, it has been classified as a Variant of Uncertain Significance.